The following is an entry in ClinVar:

ClinVar aggregate classification (germline): Uncertain significance (1 of 4 stars; one submission).

Conditions:
KBG syndrome (KBGS). Also called: ANKRD11-Related KBG Syndrome. Identifiers: Orphanet 2332, MedGen C0220687, MONDO:0007846, OMIM 148050.

Allele frequency attached by ClinVar (database versions not stated): gnomAD 0.00001; TOPMed 0.00001; gnomAD exomes 0.00003.
gnomAD v4.1: 40 of 1,613,696 alleles (0.0025%); highest among the groups gnomAD compares: South Asian, 0.0077%; no homozygotes.

Submission:

Labcorp Genetics (formerly Invitae), Labcorp
Classification: Uncertain significance for KBG syndrome. Last evaluated: 2024-05-08. Review status: criteria provided, single submitter. Criteria: Invitae Variant Classification Sherloc (09022015). Collection method: clinical testing. Allele origin: germline.
Comment: This sequence change replaces glutamic acid, which is acidic and polar, with lysine, which is basic and polar, at codon 484 of the ANKRD11 protein (p.Glu484Lys). This variant is present in population databases (no rsID available, gnomAD 0.006%). This variant has not been reported in the literature in individuals affected with ANKRD11-related conditions. Advanced modeling of protein sequence and biophysical properties (such as structural, functional, and spatial information, amino acid conservation, physicochemical variation, residue mobility, and thermodynamic stability) performed at Invitae indicates that this missense variant is not expected to disrupt ANKRD11 protein function with a negative predictive value of 95%. In summary, the available evidence is currently insufficient to determine the role of this variant in disease. Therefore, it has been classified as a Variant of Uncertain Significance.

NM_013275.6(ANKRD11):c.1450G>A (p.Glu484Lys)

Gene: ANKRD11 (ankyrin repeat domain 11; minus strand). Cytogenetic location: 16q24.3.
Variant type: single nucleotide variant.
Coding change: c.1450G>A on transcript NM_013275.6 (MANE Select); coding-DNA position 1450, G replaced by A.
Protein change: p.Glu484Lys; replaces glutamic acid 484 with lysine.
Molecular consequence: missense variant.
Genome position (GRCh38, 1-based): chr16:89,285,092, C>T on the plus strand (G>A on the coding strand, the complement: ANKRD11 is on the minus strand). VCF-style: chr16-89285092-C-T. GRCh37 (hg19) VCF-style: chr16-89351500-C-T.
Other names: c.1450G>A, p.Glu484Lys (NM_001256182.2, NM_001256183.2); short protein forms E484K.
Identifiers: ClinVar variation 3014296 (VCV003014296.3), dbSNP rs1171733992, ClinGen allele CA397164930.